The following is an entry in ClinVar:

ClinVar aggregate classification (germline): Likely pathogenic (1 of 4 stars; one submission).

Allele frequency attached by ClinVar (database versions not stated): gnomAD exomes below 0.00001; TOPMed below 0.00001; gnomAD 0.00001.
gnomAD v4.1: 4 of 1,611,454 alleles (0.00025%); highest among the groups gnomAD compares: Non-Finnish European, 0.00034%; no homozygotes.

Submission:

Labcorp Genetics (formerly Invitae), Labcorp
Classification: Likely pathogenic. Last evaluated: 2024-09-11. Review status: criteria provided, single submitter. Criteria: Invitae Variant Classification Sherloc (09022015). Collection method: clinical testing. Allele origin: germline.
Comment: This sequence change affects an acceptor splice site in intron 16 of the ABCC6 gene. It is expected to disrupt RNA splicing. Variants that disrupt the donor or acceptor splice site typically lead to a loss of protein function (PMID: 16199547), and loss-of-function variants in ABCC6 are known to be pathogenic (PMID: 11536079, 17617515). This variant is not present in population databases (gnomAD no frequency). Disruption of this splice site has been observed in individual(s) with pseudoxanthoma elasticum (PMID: 35261845). Algorithms developed to predict the effect of sequence changes on RNA splicing suggest that this variant may disrupt the consensus splice site. In summary, the currently available evidence indicates that the variant is pathogenic, but additional data are needed to prove that conclusively. Therefore, this variant has been classified as Likely Pathogenic.

Literature cited by the submitters: PubMed 16199547; PubMed 11536079; PubMed 17617515; PubMed 35261845.

NM_001171.6(ABCC6):c.2071-2A>T

Gene: ABCC6 (ATP binding cassette subfamily C member 6; minus strand). Cytogenetic location: 16p13.11.
Variant type: single nucleotide variant.
Coding change: c.2071-2A>T on transcript NM_001171.6 (MANE Select); the canonical splice acceptor site of the intron before coding-DNA position 2071, A replaced by T.
Molecular consequence: splice acceptor variant.
Genome position (GRCh38, 1-based): chr16:16,182,590, T>A on the plus strand (A>T on the coding strand, the complement: ABCC6 is on the minus strand). VCF-style: chr16-16182590-T-A. GRCh37 (hg19) VCF-style: chr16-16276447-T-A.
Other names: c.1729-2A>T (NM_001351800.1).
Identifiers: ClinVar variation 2894914 (VCV002894914.3), dbSNP rs1266206916, ClinGen allele CA394888593.